The following is an entry in ClinVar:

NM_000202.8(IDS):c.398dup (p.Val136fs)

Gene: IDS (iduronate 2-sulfatase; minus strand). Cytogenetic location: Xq28.
Variant type: Duplication.
Coding change: c.398dup on transcript NM_000202.8 (MANE Select); coding-DNA position 398, one base duplicated (T; older notation c.398dupT).
Protein change: p.Val136fs; shifts the reading frame from valine 136.
Molecular consequence: frameshift variant. On other transcripts: non-coding transcript variant (1).
Genome position (GRCh38, 1-based): chrX:149,503,332, A duplicated on the plus strand (T on the coding strand, the reverse complement: IDS is on the minus strand). VCF-style (leftmost placement, unchanged base first): chrX-149503331-C-CA. GRCh37 (hg19) VCF-style: chrX-148584861-C-CA.
Other names: c.128dup, p.Val46fs (NM_001166550.4); c.398dup, p.Val136fs (NM_006123.5); short protein forms V136fs, V46fs.
Identifiers: ClinVar variation 5011902 (VCV005011902.1).
Genomic context (GRCh38, chrX:149,503,331, plus strand): 5'-CACAAACCAAGAGAACCCAGACTCTGGACATGGAGCAGTACCAGGGTGAAAGACTTTTCC[C>CA]ACCGACATGGTCACATAGCCATTCTCCTTGAAGTACTGGGGGATGGTGGAGAAGTTTCCA-3'

ClinVar aggregate classification (germline): Pathogenic (1 of 4 stars; one submission).

Conditions:
Mucopolysaccharidosis, MPS-II (MPS2). Also called: Attenuated MPS (subtype; formerly known as mild MPS II); Severe MPS II; I2S deficiency; MPS 2; Hunter Syndrome; IDURONATE 2-SULFATASE DEFICIENCY. Identifiers: Orphanet 580, Orphanet 79388, MedGen C0026705, MONDO:0010674, OMIM 309900.

Submission:

Myriad Genetics, Inc.
Classification: Pathogenic for Mucopolysaccharidosis, MPS-II. Last evaluated: 2023-09-27. Review status: criteria provided, single submitter. Criteria: Myriad Autosomal Dominant, Autosomal Recessive and X-Linked Classification Criteria (2023). Collection method: clinical testing. Allele origin: unknown.
Comment: NM_000202.5(IDS):c.398dupT(V136Sfs*9) is expected to be pathogenic in the context of mucopolysaccharidosis type II. This variant is predicted to lead to an abnormal or absent protein product due to the creation of a premature termination codon in IDS, a gene where loss-of-function variants are known to be pathogenic. Please note: this variant was assessed in the context of healthy population screening.